The following is an entry in ClinVar:

ClinVar aggregate classification (germline): Benign. Review status: reviewed by expert panel (3 of 4 stars). 2 submissions from 2 submitters: Benign (1). 1 of the submissions does not count toward it. Last evaluated 2015-01-12.

Conditions:
Breast-ovarian cancer, familial, susceptibility to, 1 (BROVCA1). Also called: BRCA1 Hereditary Breast and Ovarian Cancer; OVARIAN CANCER, SUSCEPTIBILITY TO. Identifiers: Orphanet 145, MedGen C2676676, MONDO:0011450, OMIM 604370. Disease mechanism: loss of function.

Allele frequency attached by ClinVar (database versions not stated): gnomAD 0.36979 and 0.38123.
gnomAD v4.1: 13,361 of 35,088 alleles (38%); highest among the groups gnomAD compares: South Asian, 52%; 2,243 homozygotes.

Submissions (2):

Evidence-based Network for the Interpretation of Germline Mutant Alleles (ENIGMA)
Classification: Benign for Breast-ovarian cancer, familial 1. Last evaluated: 2015-01-12. Review status: reviewed by expert panel. Criteria: ENIGMA BRCA1/2 Classification Criteria (2015). Collection method: curation. Allele origin: germline.
Comment: Class 1 not pathogenic based on frequency >1% in an outbred sampleset. Frequency 0.3077 (Asian), 0.1118 (African), 0.2929 (European), derived from 1000 genomes (2012-04-30).

Breakthrough Genomics
Classification: Benign. Review status: criteria provided, single submitter. Criteria: ACMG Guidelines, 2015. Collection method: not provided. Allele origin: germline. Inheritance: Autosomal recessive inheritance. Affected: yes. Not counted in ClinVar's aggregate classification.

NM_007294.4(BRCA1):c.442-678C>T

Gene: BRCA1 (BRCA1 DNA repair associated; minus strand). Cytogenetic location: 17q21.31.
Variant type: single nucleotide variant.
Coding change: c.442-678C>T on transcript NM_007294.4 (MANE Select); 678 bases into the intron before coding-DNA position 442, C replaced by T.
Molecular consequence: intron variant.
Genome position (GRCh38, 1-based): chr17:43,100,558, G>A on the plus strand (C>T on the coding strand, the complement: BRCA1 is on the minus strand). VCF-style: chr17-43100558-G-A. GRCh37 (hg19) VCF-style: chr17-41252575-G-A.
Other names: IVS 7-678C>T; c.301-678C>T (NM_001408458.1, NM_001407922.1, NM_001408469.1 and 61 more transcripts); c.-218-5698C>T (NM_001407967.1, NM_001407966.1); c.61-678C>T (NM_001407959.1, NM_001408512.1, NM_001408510.1 and 3 more transcripts); c.301-681C>T (NM_001407931.1, NM_001407747.1, NM_001408470.1 and 35 more transcripts); c.61-681C>T (NM_001407962.1); c.232-678C>T (NM_001407885.1, NM_001407886.1, NM_001407881.1 and 37 more transcripts); c.442-681C>T (NM_001407686.1, NM_001408397.1, NM_001407632.1 and 65 more transcripts); and 6 more.
Identifiers: ClinVar variation 209466 (VCV000209466.3), dbSNP rs10445316, ClinGen allele CA276436.
Genomic context (GRCh38, chr17:43,100,558, plus strand): 5'-TGCCTGGCTAATTTGTGTGTGTGTGTGTATATATATATACATATATATGTGTGTGTGTGT[G>A]TATATATATATATAACATATATATAACATATATATATTATATATATATAACATATATATA-3'